The following is an entry in ClinVar:

ClinVar aggregate classification (germline): Pathogenic (1 of 4 stars; one submission).

Submission:

Labcorp Genetics (formerly Invitae), Labcorp
Classification: Pathogenic. Last evaluated: 2021-05-29. Review status: criteria provided, single submitter. Criteria: Invitae Variant Classification Sherloc (09022015). Collection method: clinical testing. Allele origin: germline.
Comment: This sequence change replaces glycine with aspartic acid at codon 201 of the COL4A5 protein (p.Gly201Asp). The glycine residue is highly conserved and there is a moderate physicochemical difference between glycine and aspartic acid. This variant is not present in population databases (ExAC no frequency). This variant has been observed in individual(s) with Alport syndrome (Invitae). Advanced modeling of protein sequence and biophysical properties (such as structural, functional, and spatial information, amino acid conservation, physicochemical variation, residue mobility, and thermodynamic stability) performed at Invitae indicates that this missense variant is expected to disrupt COL4A5 protein function. This variant disrupts the triple helix domain of COL4A5. Glycine residues within the Gly-Xaa-Yaa repeats of the triple helix domain are required for the structure and stability of fibrillar collagens (PMID: 7695699, 8218237, 19344236). In COL4A5, missense variants at these glycine residues are significantly enriched in individuals with disease (PMID: 23720012, 27627812) compared to the general population (ExAC). For these reasons, this variant has been classified as Pathogenic. This variant disrupts the p.Gly201 amino acid residue in COL4A5. Other variant(s) that disrupt this residue have been observed in individuals with COL4A5-related conditions (PMID: 11462238, 25876686), which suggests that this may be a clinically significant amino acid residue.

Literature cited by the submitters: PubMed 7695699; PubMed 8218237; PubMed 19344236; PubMed 23720012; PubMed 27627812; PubMed 11462238; PubMed 25876686.

NM_033380.3(COL4A5):c.602G>A (p.Gly201Asp)

Gene: COL4A5 (collagen type IV alpha 5 chain; plus strand). Cytogenetic location: Xq22.3.
Variant type: single nucleotide variant.
Coding change: c.602G>A on transcript NM_033380.3 (MANE Select); coding-DNA position 602, G replaced by A.
Protein change: p.Gly201Asp; replaces glycine 201 with aspartic acid.
Molecular consequence: missense variant.
Genome position (GRCh38, 1-based): chrX:108,575,965, G>A. VCF-style: chrX-108575965-G-A. GRCh37 (hg19) VCF-style: chrX-107819195-G-A.
Other names: c.602G>A, p.Gly201Asp (NM_000495.5); short protein forms G201D.
Identifiers: ClinVar variation 1392961 (VCV001392961.8), dbSNP rs104886062, ClinGen allele CA413922460.
Genomic context (GRCh38, chrX:108,575,965, plus strand): 5'-AACAGGGCCTACCTGGTCCCACTGGTATACCAGGGCCAATTGGTCCCCCAGGACCACCAG[G>A]TTTGATGGTAAGCTCTCTTCTTTAATTTAATTTCCCCCCCTTTCCTTTCTGACTTCTTTC-3'
Protein context (NP_203699.1, residues 191-211): PGPIGPPGPP[Gly201Asp]LMGPPGPPGL